The following is an entry in ClinVar:

ClinVar aggregate classification (germline): Uncertain significance. Review status: criteria provided, multiple submitters, no conflicts (2 of 4 stars). 4 submissions from 4 submitters: Uncertain significance (4). Last evaluated 2025-10-02.

Conditions:
Inborn genetic diseases. Identifiers: MedGen C0950123, MeSH D030342.
Hajdu-Cheney syndrome (HJCYS). Also called: Acroosteolysis dominant type; ACROOSTEOLYSIS WITH OSTEOPOROSIS AND CHANGES IN SKULL AND MANDIBLE; SERPENTINE FIBULA-POLYCYSTIC KIDNEY SYNDROME. Identifiers: Orphanet 955, MedGen C0917715, MONDO:0007057, OMIM 102500.
Alagille syndrome due to a NOTCH2 point mutation. Also called: Alagille syndrome 2. Identifiers: Orphanet 261629, Orphanet 52, MedGen C1857761, MONDO:0012439, OMIM 610205.

Allele frequency attached by ClinVar (database versions not stated): gnomAD exomes 0.00001; gnomAD 0.00002; TOPMed 0.00002.
gnomAD v4.1: 12 of 1,614,086 alleles (0.00074%); highest among the groups gnomAD compares: Admixed American, 0.0017%; no homozygotes.

Submissions (4):

Labcorp Genetics (formerly Invitae), Labcorp
Classification: Uncertain significance for Hajdu-Cheney syndrome. Last evaluated: 2025-10-02. Review status: criteria provided, single submitter. Criteria: Invitae Variant Classification Sherloc (09022015). Collection method: clinical testing. Allele origin: germline.
Comment: This sequence change replaces valine, which is neutral and non-polar, with isoleucine, which is neutral and non-polar, at codon 2161 of the NOTCH2 protein (p.Val2161Ile). This variant is present in population databases (no rsID available, gnomAD 0.002%). This variant has not been reported in the literature in individuals affected with NOTCH2-related conditions. ClinVar contains an entry for this variant (Variation ID: 598183). Invitae Evidence Modeling of protein sequence and biophysical properties (such as structural, functional, and spatial information, amino acid conservation, physicochemical variation, residue mobility, and thermodynamic stability) indicates that this missense variant is not expected to disrupt NOTCH2 protein function with a negative predictive value of 80%. In summary, the available evidence is currently insufficient to determine the role of this variant in disease. Therefore, it has been classified as a Variant of Uncertain Significance.

Ambry Genetics
Classification: Uncertain significance for Inborn genetic diseases. Last evaluated: 2025-08-11. Review status: criteria provided, single submitter. Criteria: Ambry Variant Classification Scheme 2023. Collection method: clinical testing. Allele origin: germline.

Fulgent Genetics
Classification: Uncertain significance for Hajdu-Cheney syndrome; Alagille syndrome due to a NOTCH2 point mutation. Last evaluated: 2024-01-10. Review status: criteria provided, single submitter. Criteria: ACMG Guidelines, 2015. Collection method: clinical testing. Allele origin: germline.

Eurofins Ntd Llc (ga)
Classification: Uncertain significance. Last evaluated: 2018-07-27. Review status: criteria provided, single submitter. Criteria: EGL ClinVar v180209 classification definitions. Collection method: clinical testing. Allele origin: germline. Observed: 1 variant allele, 1 heterozygote.

NM_024408.4(NOTCH2):c.6481G>A (p.Val2161Ile)

Gene: NOTCH2 (notch receptor 2; minus strand). Cytogenetic location: 1p12.
Variant type: single nucleotide variant.
Coding change: c.6481G>A on transcript NM_024408.4 (MANE Select); coding-DNA position 6481, G replaced by A.
Protein change: p.Val2161Ile; replaces valine 2161 with isoleucine.
Molecular consequence: missense variant.
Genome position (GRCh38, 1-based): chr1:119,916,241, C>T on the plus strand (G>A on the coding strand, the complement: NOTCH2 is on the minus strand). VCF-style: chr1-119916241-C-T. GRCh37 (hg19) VCF-style: chr1-120458864-C-T.
Other names: c.6481G>A (NM_024408.3); short protein forms V2161I.
Identifiers: ClinVar variation 598183 (VCV000598183.13), dbSNP rs1470762283, ClinGen allele CA341877857.